The following is an entry in ClinVar:

ClinVar aggregate classification (germline): Uncertain significance. Review status: criteria provided, multiple submitters, no conflicts (2 of 4 stars). 2 submissions from 2 submitters: Uncertain significance (2). Last evaluated 2024-09-26.

Conditions:
Early-infantile DEE. Also called: Early infantile epileptic encephalopathy; Ohtahara syndrome; Early infantile epileptic encephalopathy with suppression bursts. Identifiers: Orphanet 1934, MedGen C0393706, MONDO:0800491.
Inborn genetic diseases. Identifiers: MedGen C0950123, MeSH D030342.

Allele frequency attached by ClinVar (database versions not stated): ExAC 0.00001; gnomAD 0.00001; TOPMed 0.00002; ESP Exome Variant Server 0.00008.
gnomAD v4.1: 3 of 1,614,100 alleles (0.00019%); highest among the groups gnomAD compares: Admixed American, 0.0033%; no homozygotes.

Submissions (2):

Ambry Genetics
Classification: Uncertain significance for Inborn genetic diseases. Last evaluated: 2024-09-26. Review status: criteria provided, single submitter. Criteria: Ambry Variant Classification Scheme 2023. Collection method: clinical testing. Allele origin: germline.

Labcorp Genetics (formerly Invitae), Labcorp
Classification: Uncertain significance for Early-infantile DEE. Last evaluated: 2023-09-18. Review status: criteria provided, single submitter. Criteria: Invitae Variant Classification Sherloc (09022015). Collection method: clinical testing. Allele origin: germline.
Comment: This sequence change replaces alanine, which is neutral and non-polar, with valine, which is neutral and non-polar, at codon 781 of the KCNH5 protein (p.Ala781Val). In summary, the available evidence is currently insufficient to determine the role of this variant in disease. Therefore, it has been classified as a Variant of Uncertain Significance. Advanced modeling of protein sequence and biophysical properties (such as structural, functional, and spatial information, amino acid conservation, physicochemical variation, residue mobility, and thermodynamic stability) performed at Invitae indicates that this missense variant is not expected to disrupt KCNH5 protein function. This variant has not been reported in the literature in individuals affected with KCNH5-related conditions. This variant is present in population databases (rs375603709, gnomAD 0.007%).

NM_139318.5(KCNH5):c.2342C>T (p.Ala781Val)

Gene: KCNH5 (potassium voltage-gated channel subfamily H member 5; minus strand). Cytogenetic location: 14q23.2.
Variant type: single nucleotide variant.
Coding change: c.2342C>T on transcript NM_139318.5 (MANE Select); coding-DNA position 2342, C replaced by T.
Protein change: p.Ala781Val; replaces alanine 781 with valine.
Molecular consequence: missense variant. On other transcripts: 3 prime UTR variant (1).
Genome position (GRCh38, 1-based): chr14:62,708,133, G>A on the plus strand (C>T on the coding strand, the complement: KCNH5 is on the minus strand). VCF-style: chr14-62708133-G-A. GRCh37 (hg19) VCF-style: chr14-63174851-G-A.
Other names: c.2342C>T (NM_139318.3); c.*309C>T (NM_172375.3); short protein forms A781V.
Identifiers: ClinVar variation 2901970 (VCV002901970.4), dbSNP rs375603709, ClinGen allele CA7217271.